The following is an entry in ClinVar:

ClinVar aggregate classification (germline): Uncertain significance (1 of 4 stars; one submission).

Submission:

Labcorp Genetics (formerly Invitae), Labcorp
Classification: Uncertain significance. Last evaluated: 2023-03-17. Review status: criteria provided, single submitter. Criteria: Invitae Variant Classification Sherloc (09022015). Collection method: clinical testing. Allele origin: germline.
Comment: This sequence change replaces glycine, which is neutral and non-polar, with glutamic acid, which is acidic and polar, at codon 217 of the REN protein (p.Gly217Glu). This variant is not present in population databases (gnomAD no frequency). This variant has not been reported in the literature in individuals affected with REN-related conditions. Advanced modeling of protein sequence and biophysical properties (such as structural, functional, and spatial information, amino acid conservation, physicochemical variation, residue mobility, and thermodynamic stability) performed at Invitae indicates that this missense variant is not expected to disrupt REN protein function. In summary, the available evidence is currently insufficient to determine the role of this variant in disease. Therefore, it has been classified as a Variant of Uncertain Significance.

NM_000537.4(REN):c.650G>A (p.Gly217Glu)

Gene: REN (renin; minus strand). Cytogenetic location: 1q32.1.
Variant type: single nucleotide variant.
Coding change: c.650G>A on transcript NM_000537.4 (MANE Select); coding-DNA position 650, G replaced by A.
Protein change: p.Gly217Glu; replaces glycine 217 with glutamic acid.
Molecular consequence: missense variant.
Genome position (GRCh38, 1-based): chr1:204,159,438, C>T on the plus strand (G>A on the coding strand, the complement: REN is on the minus strand). VCF-style: chr1-204159438-C-T. GRCh37 (hg19) VCF-style: chr1-204128566-C-T.
Other names: short protein forms G217E.
Identifiers: ClinVar variation 2846619 (VCV002846619.3), dbSNP rs2527487612, ClinGen allele CA344337827.
Genomic context (GRCh38, chr1:204,159,438, plus strand): 5'-CCTTGGAGTCCCAGTCCCCACCTGTTGTAGTAGAAAGAGAAGACGTCCTCTTTTAGCACC[C>T]CTTGGGAGATGATGTTGTCGAAGATAGGGGTGACCCTGCCAATGGCCTGTTCAATGAAGC-3'
Protein context (NP_000528.1, residues 207-227): TPIFDNIISQ[Gly217Glu]VLKEDVFSFY